The following is an entry in ClinVar:

NM_000138.5(FBN1):c.5575A>G (p.Ile1859Val)

Gene: FBN1 (fibrillin 1; minus strand). Cytogenetic location: 15q21.1.
Variant type: single nucleotide variant.
Coding change: c.5575A>G on transcript NM_000138.5 (MANE Select); coding-DNA position 5575, A replaced by G.
Protein change: p.Ile1859Val; replaces isoleucine 1859 with valine.
Molecular consequence: missense variant.
Genome position (GRCh38, 1-based): chr15:48,448,864, T>C on the plus strand (A>G on the coding strand, the complement: FBN1 is on the minus strand). VCF-style: chr15-48448864-T-C. GRCh37 (hg19) VCF-style: chr15-48741061-T-C.
Other names: c.5575A>G, p.Ile1859Val (NM_001406716.1); short protein forms I1859V.
Identifiers: ClinVar variation 2932397 (VCV002932397.3), dbSNP rs2505463440, ClinGen allele CA392342331.
Genomic context (GRCh38, chr15:48,448,864, plus strand): 5'-CAGTGTGGCAAAGGCAATAAAAGCTTCCAACTGTGTCAATGCACTGCCCATGACTGCATA[T>C]ATTGGGGATTTCTTGACATTCATTACGATCTGTAAATAAGAAGCATCTTAAGTGAGAACT-3'
Protein context (NP_000129.3, residues 1849-1869): DRNECQEIPN[Ile1859Val]CSHGQCIDTV

ClinVar aggregate classification (germline): Uncertain significance (1 of 4 stars; one submission).

Conditions:
Marfan syndrome (MFS). Also called: MARFAN SYNDROME, TYPE I; Marfan syndrome type 1; Marfan's syndrome; Marfan syndrome, classic; FBN1-Related Marfan Syndrome. Identifiers: Orphanet 284963, Orphanet 558, MedGen C0024796, MONDO:0007947, OMIM 154700.
Familial thoracic aortic aneurysm and aortic dissection (TAAD). Also called: Thoracic aortic aneurysms and dissections. Identifiers: Orphanet 91387, MedGen C4707243, MONDO:0019625.

Allele frequency attached by ClinVar (database versions not stated): gnomAD exomes below 0.00001.
gnomAD v4.1: 1 of 1,612,258 alleles (0.000062%); highest among the groups gnomAD compares: Non-Finnish European, 0.000085%; no homozygotes.

Submission:

Labcorp Genetics (formerly Invitae), Labcorp
Classification: Uncertain significance for Marfan syndrome; Familial thoracic aortic aneurysm and aortic dissection. Last evaluated: 2023-10-27. Review status: criteria provided, single submitter. Criteria: Invitae Variant Classification Sherloc (09022015). Collection method: clinical testing. Allele origin: germline.
Comment: This sequence change replaces isoleucine, which is neutral and non-polar, with valine, which is neutral and non-polar, at codon 1859 of the FBN1 protein (p.Ile1859Val). This variant is not present in population databases (gnomAD no frequency). This variant has not been reported in the literature in individuals affected with FBN1-related conditions. Advanced modeling of protein sequence and biophysical properties (such as structural, functional, and spatial information, amino acid conservation, physicochemical variation, residue mobility, and thermodynamic stability) performed at Invitae indicates that this missense variant is not expected to disrupt FBN1 protein function with a negative predictive value of 95%. In summary, the available evidence is currently insufficient to determine the role of this variant in disease. Therefore, it has been classified as a Variant of Uncertain Significance.